The following is an entry in ClinVar:

NM_016628.5(WAC):c.284A>G (p.Tyr95Cys)

Gene: WAC (WW domain containing adaptor with coiled-coil; plus strand). Cytogenetic location: 10p12.1.
Variant type: single nucleotide variant.
Coding change: c.284A>G on transcript NM_016628.5 (MANE Select); coding-DNA position 284, A replaced by G.
Protein change: p.Tyr95Cys; replaces tyrosine 95 with cysteine.
Molecular consequence: missense variant.
Genome position (GRCh38, 1-based): chr10:28,583,408, A>G. VCF-style: chr10-28583408-A-G. GRCh37 (hg19) VCF-style: chr10-28872337-A-G.
Other names: c.149A>G, p.Tyr50Cys (NM_100264.3); c.284A>G, p.Tyr95Cys (NM_100486.4); short protein forms Y50C, Y95C.
Identifiers: ClinVar variation 1265192 (VCV001265192.4), dbSNP rs142450615, ClinGen allele CA5454748.

ClinVar aggregate classification (germline): Benign. Review status: criteria provided, single submitter (1 of 4 stars). 2 submissions from 2 submitters: Benign (1). 1 of the submissions does not count toward it. Last evaluated 2020-11-08.

Conditions:
WAC-related disorder. Also called: WAC-related condition.

Allele frequency attached by ClinVar (database versions not stated): gnomAD exomes 0.00003 and 0.00010; 1000 Genomes Project 30x 0.00016; ExAC 0.00018; 1000 Genomes Project 0.00020; gnomAD 0.00039 and 0.00044; TOPMed 0.00045; ESP Exome Variant Server 0.00077.
gnomAD v4.1: 101 of 1,579,254 alleles (0.0064%); highest among the groups gnomAD compares: African/African-American, 0.13%; no homozygotes.

Submissions (2):

GeneDx
Classification: Benign. Last evaluated: 2020-11-08. Review status: criteria provided, single submitter. Criteria: GeneDx Variant Classification Process June 2021. Collection method: clinical testing. Allele origin: germline. Affected: yes.

PreventionGenetics, part of Exact Sciences
Classification: Likely benign for WAC-related condition. Last evaluated: 2024-02-08. Review status: no assertion criteria provided. Collection method: clinical testing. Allele origin: germline. Not counted in ClinVar's aggregate classification.
Comment: This variant is classified as likely benign based on ACMG/AMP sequence variant interpretation guidelines (Richards et al. 2015 PMID: 25741868, with internal and published modifications).